The following is an entry in ClinVar:

NM_013276.4(SHPK):c.1211G>A (p.Arg404Gln)

Gene: SHPK (sedoheptulokinase; minus strand). Cytogenetic location: 17p13.2.
Variant type: single nucleotide variant.
Coding change: c.1211G>A on transcript NM_013276.4 (MANE Select); coding-DNA position 1211, G replaced by A.
Protein change: p.Arg404Gln; replaces arginine 404 with glutamine.
Molecular consequence: missense variant.
Genome position (GRCh38, 1-based): chr17:3,610,786, C>T on the plus strand (G>A on the coding strand, the complement: SHPK is on the minus strand). VCF-style: chr17-3610786-C-T. GRCh37 (hg19) VCF-style: chr17-3514080-C-T.
Other names: c.1211G>A (NM_013276.2); short protein forms R404Q.
Identifiers: ClinVar variation 2189889 (VCV002189889.5), dbSNP rs371517274, ClinGen allele CA8291073.

ClinVar aggregate classification (germline): Uncertain significance. Review status: criteria provided, multiple submitters, no conflicts (2 of 4 stars). 2 submissions from 2 submitters: Uncertain significance (2). Last evaluated 2024-09-28.

Allele frequency attached by ClinVar (database versions not stated): gnomAD exomes 0.00001; ExAC 0.00002; TOPMed 0.00006; gnomAD 0.00007; ESP Exome Variant Server 0.00008.
gnomAD v4.1: 30 of 1,614,004 alleles (0.0019%); highest among the groups gnomAD compares: Admixed American, 0.02%; no homozygotes.

Submissions (2):

Labcorp Genetics (formerly Invitae), Labcorp
Classification: Uncertain significance. Last evaluated: 2024-09-28. Review status: criteria provided, single submitter. Criteria: Invitae Variant Classification Sherloc (09022015). Collection method: clinical testing. Allele origin: germline.
Comment: This sequence change replaces arginine, which is basic and polar, with glutamine, which is neutral and polar, at codon 404 of the SHPK protein (p.Arg404Gln). This variant is present in population databases (rs371517274, gnomAD 0.009%). This variant has not been reported in the literature in individuals affected with SHPK-related conditions. ClinVar contains an entry for this variant (Variation ID: 2189889). An algorithm developed to predict the effect of missense changes on protein structure and function (PolyPhen-2) suggests that this variant is likely to be tolerated. In summary, the available evidence is currently insufficient to determine the role of this variant in disease. Therefore, it has been classified as a Variant of Uncertain Significance.

Ambry Genetics
Classification: Uncertain significance. Last evaluated: 2024-03-21. Review status: criteria provided, single submitter. Criteria: Ambry Variant Classification Scheme 2023. Collection method: clinical testing. Allele origin: germline.